The following is an entry in ClinVar:

ClinVar aggregate classification (germline): Uncertain significance (1 of 4 stars; one submission).

Submission:

Labcorp Genetics (formerly Invitae), Labcorp
Classification: Uncertain significance. Last evaluated: 2023-05-21. Review status: criteria provided, single submitter. Criteria: Invitae Variant Classification Sherloc (09022015). Collection method: clinical testing. Allele origin: germline.
Comment: Algorithms developed to predict the effect of sequence changes on RNA splicing suggest that this variant may disrupt the consensus splice site. In summary, the available evidence is currently insufficient to determine the role of this variant in disease. Therefore, it has been classified as a Variant of Uncertain Significance. Advanced modeling of protein sequence and biophysical properties (such as structural, functional, and spatial information, amino acid conservation, physicochemical variation, residue mobility, and thermodynamic stability) performed at Invitae indicates that this missense variant is not expected to disrupt COL4A1 protein function. This variant has not been reported in the literature in individuals affected with COL4A1-related conditions. This variant is not present in population databases (gnomAD no frequency). This sequence change replaces arginine, which is basic and polar, with glycine, which is neutral and non-polar, at codon 132 of the COL4A1 protein (p.Arg132Gly).

NM_001845.6(COL4A1):c.394A>G (p.Arg132Gly)

Gene: COL4A1 (collagen type IV alpha 1 chain; minus strand). Cytogenetic location: 13q34.
Variant type: single nucleotide variant.
Coding change: c.394A>G on transcript NM_001845.6 (MANE Select); coding-DNA position 394, A replaced by G.
Protein change: p.Arg132Gly; replaces arginine 132 with glycine.
Molecular consequence: missense variant.
Genome position (GRCh38, 1-based): chr13:110,211,916, T>C on the plus strand (A>G on the coding strand, the complement: COL4A1 is on the minus strand). VCF-style: chr13-110211916-T-C. GRCh37 (hg19) VCF-style: chr13-110864263-T-C.
Other names: c.394A>G, p.Arg132Gly (NM_001303110.2); short protein forms R132G.
Identifiers: ClinVar variation 2866699 (VCV002866699.3), dbSNP rs2501601573, ClinGen allele CA388726260.